The following is an entry in ClinVar:

NM_001256789.3(CACNA1F):c.5879T>G (p.Met1960Arg)

Gene: CACNA1F (calcium voltage-gated channel subunit alpha1 F; minus strand). Cytogenetic location: Xp11.23.
Variant type: single nucleotide variant.
Coding change: c.5879T>G on transcript NM_001256789.3 (MANE Select); coding-DNA position 5879, T replaced by G.
Protein change: p.Met1960Arg; replaces methionine 1960 with arginine.
Molecular consequence: missense variant.
Genome position (GRCh38, 1-based): chrX:49,205,159, A>C on the plus strand (T>G on the coding strand, the complement: CACNA1F is on the minus strand). VCF-style: chrX-49205159-A-C. GRCh37 (hg19) VCF-style: chrX-49061619-A-C.
Other names: c.5717T>G, p.Met1906Arg (NM_001256790.3); c.5912T>G, p.Met1971Arg (NM_005183.4); short protein forms M1971R, M1906R, M1960R.
Identifiers: ClinVar variation 3692479 (VCV003692479.2).

ClinVar aggregate classification (germline): Uncertain significance (1 of 4 stars; one submission).

Submission:

Labcorp Genetics (formerly Invitae), Labcorp
Classification: Uncertain significance. Last evaluated: 2024-04-25. Review status: criteria provided, single submitter. Criteria: Invitae Variant Classification Sherloc (09022015). Collection method: clinical testing. Allele origin: germline.
Comment: This sequence change replaces methionine, which is neutral and non-polar, with arginine, which is basic and polar, at codon 1971 of the CACNA1F protein (p.Met1971Arg). This variant is not present in population databases (gnomAD no frequency). This variant has not been reported in the literature in individuals affected with CACNA1F-related conditions. An algorithm developed to predict the effect of missense changes on protein structure and function (PolyPhen-2) suggests that this variant is likely to be tolerated. In summary, the available evidence is currently insufficient to determine the role of this variant in disease. Therefore, it has been classified as a Variant of Uncertain Significance.